The following is an entry in ClinVar:

ClinVar aggregate classification (germline): Uncertain significance (1 of 4 stars; one submission).

Allele frequency attached by ClinVar (database versions not stated): gnomAD exomes below 0.00001.
gnomAD v4.1: 2 of 1,191,778 alleles (0.00017%); highest among the groups gnomAD compares: Non-Finnish European, 0.00023%; no homozygotes.

Submission:

Labcorp Genetics (formerly Invitae), Labcorp
Classification: Uncertain significance. Last evaluated: 2026-01-06. Review status: criteria provided, single submitter. Criteria: Invitae Variant Classification Sherloc (09022015). Collection method: clinical testing. Allele origin: germline.
Comment: This sequence change replaces leucine, which is neutral and non-polar, with phenylalanine, which is neutral and non-polar, at codon 116 of the NDP protein (p.Leu116Phe). The frequency data for this variant in the population databases is considered unreliable, as metrics indicate poor data quality at this position in the gnomAD database. This variant has not been reported in the literature in individuals affected with NDP-related conditions. ClinVar contains an entry for this variant (Variation ID: 3001312). Invitae Evidence Modeling of protein sequence and biophysical properties (such as structural, functional, and spatial information, amino acid conservation, physicochemical variation, residue mobility, and thermodynamic stability) has been performed for this missense variant. However, the output from this modeling did not meet the statistical confidence thresholds required to predict the impact of this variant on NDP protein function. In summary, the available evidence is currently insufficient to determine the role of this variant in disease. Therefore, it has been classified as a Variant of Uncertain Significance.

NM_000266.4(NDP):c.346C>T (p.Leu116Phe)

Genes: NDP (norrin cystine knot growth factor NDP; minus strand), NDP-AS1 (NDP antisense RNA 1; plus strand). Cytogenetic location: Xp11.3.
Variant type: single nucleotide variant.
Coding change: c.346C>T on transcript NM_000266.4 (MANE Select); coding-DNA position 346, C replaced by T.
Protein change: p.Leu116Phe; replaces leucine 116 with phenylalanine.
Molecular consequence: missense variant. On other transcripts: non-coding transcript variant (1).
Genome position (GRCh38, 1-based): chrX:43,949,855, G>A on the plus strand (C>T on the coding strand, the complement: NDP is on the minus strand). VCF-style: chrX-43949855-G-A. GRCh37 (hg19) VCF-style: chrX-43809101-G-A.
Other names: short protein forms L116F.
Identifiers: ClinVar variation 3001312 (VCV003001312.3), dbSNP rs1302861734, ClinGen allele CA413007349.
Genomic context (GRCh38, chrX:43,949,855, plus strand): 5'-GGCCTCAGGAATTGCATTCCTCGCAGTGACAGGAGAGGATGTACCGGTAGGTGGCAGTGA[G>A]TCGCATGCCCCCTGAGCATCGCAGCCGCAGTGCCTTCAGCTTGGAAGTCTGGGGCCGGCA-3'
Protein context (NP_000257.1, residues 106-126): LRLRCSGGMR[Leu116Phe]TATYRYILSC